The following is an entry in ClinVar:

NM_001458.5(FLNC):c.6949G>T (p.Val2317Leu)

Genes: FLNC (filamin C; plus strand), FLNC-AS1 (FLNC antisense RNA 1; minus strand). Cytogenetic location: 7q32.1.
Variant type: single nucleotide variant.
Coding change: c.6949G>T on transcript NM_001458.5 (MANE Select); coding-DNA position 6949, G replaced by T.
Protein change: p.Val2317Leu; replaces valine 2317 with leucine.
Molecular consequence: missense variant.
Genome position (GRCh38, 1-based): chr7:128,854,634, G>T. VCF-style: chr7-128854634-G-T. GRCh37 (hg19) VCF-style: chr7-128494688-G-T.
Other names: c.6850G>T, p.Val2284Leu (NM_001127487.2); short protein forms V2284L, V2317L.
Identifiers: ClinVar variation 4885047 (VCV004885047.2).
Genomic context (GRCh38, chr7:128,854,634, plus strand): 5'-GTGCCCGGCAGCCCCTTTCAGTTCACTGTGGGGCCGCTGGGTGAAGGTGGTGCCCACAAG[G>T]TGCGGGCCGGAGGCACAGGGCTGGAGCGAGGTGTGGCCGGCGTGCCAGGTAAGGGGCAGG-3'
Protein context (NP_001449.3, residues 2307-2327): GPLGEGGAHK[Val2317Leu]RAGGTGLERG

ClinVar aggregate classification (germline): Uncertain significance (1 of 4 stars; one submission).

Submission:

Dasa
Classification: Uncertain significance. Last evaluated: 2025-08-14. Review status: criteria provided, single submitter. Criteria: DASA Assertion Criteria. Collection method: clinical testing. Allele origin: germline.
Comment: NM_001458.5(FLNC):c.6949G>T (p.Val2317Leu) is a missense variant that results in the substitution of valine with leucine. This variant is absent from population databases. Computational prediction algorithms are consistent with a deleterious effect. The currently available literature and clinical evidence are not sufficient to establish a definitive association between this variant and the reported condition. Therefore, this variant is classified as a variant of uncertain significance.